The following is an entry in ClinVar:

ClinVar aggregate classification (germline): Uncertain significance (1 of 4 stars; one submission).

Submission:

GeneDx
Classification: Uncertain significance. Last evaluated: 2019-06-28. Review status: criteria provided, single submitter. Criteria: GeneDx Variant Classification Process June 2021. Collection method: clinical testing. Allele origin: germline. Affected: yes.
Comment: Not observed in large population cohorts (Lek et al., 2016); In silico analysis, which includes protein predictors and evolutionary conservation, supports that this variant does not alter protein structure/function; Has not been previously published as pathogenic or benign to our knowledge

NM_000264.5(PTCH1):c.1960A>T (p.Thr654Ser)

Genes: PTCH1 (patched 1; minus strand), LOC100507346 (uncharacterized LOC100507346; plus strand). Cytogenetic location: 9q22.32.
Variant type: single nucleotide variant.
Coding change: c.1960A>T on transcript NM_000264.5 (MANE Select); coding-DNA position 1960, A replaced by T.
Protein change: p.Thr654Ser; replaces threonine 654 with serine.
Molecular consequence: missense variant. On other transcripts: non-coding transcript variant (2).
Genome position (GRCh38, 1-based): chr9:95,469,041, T>A on the plus strand (A>T on the coding strand, the complement: PTCH1 is on the minus strand). VCF-style: chr9-95469041-T-A. GRCh37 (hg19) VCF-style: chr9-98231323-T-A.
Other names: c.1762A>T, p.Thr588Ser (NM_001083602.3); c.1957A>T, p.Thr653Ser (NM_001083603.3); c.1507A>T, p.Thr503Ser (NM_001083604.3, NM_001083605.3, NM_001083606.3 and 1 more transcripts); c.1804A>T, p.Thr602Ser (NM_001354918.2); short protein forms T503S, T588S, T602S, T653S, T654S.
Identifiers: ClinVar variation 1306875 (VCV001306875.2), dbSNP rs2118050394, ClinGen allele CA374115953.